The following is an entry in ClinVar:

NM_006390.4(IPO8):c.874T>A (p.Phe292Ile)

Gene: IPO8 (importin 8; minus strand). Cytogenetic location: 12p11.21.
Variant type: single nucleotide variant.
Coding change: c.874T>A on transcript NM_006390.4 (MANE Select); coding-DNA position 874, T replaced by A.
Protein change: p.Phe292Ile; replaces phenylalanine 292 with isoleucine.
Molecular consequence: missense variant.
Genome position (GRCh38, 1-based): chr12:30,674,025, A>T on the plus strand (T>A on the coding strand, the complement: IPO8 is on the minus strand). VCF-style: chr12-30674025-A-T. GRCh37 (hg19) VCF-style: chr12-30826959-A-T.
Other names: c.259T>A, p.Phe87Ile (NM_001190995.2); short protein forms F292I, F87I.
Identifiers: ClinVar variation 2499284 (VCV002499284.1), dbSNP rs2498086490, ClinGen allele CA384229739.
Genomic context (GRCh38, chr12:30,674,025, plus strand): 5'-TATTTTAAAAGCATAAGTTTATTACCTGCTGAATGCCCACTGCATAGGTTTTCAAAAAGA[A>T]TTCAGAAAATTCAAAGTATTCTTTTGTGACATTTCCTGGGCTTCCATATCTTAAAATACA-3'
Protein context (NP_006381.2, residues 282-302): VTKEYFEFSE[Phe292Ile]FLKTYAVGIQ

ClinVar aggregate classification (germline): Uncertain significance (1 of 4 stars; one submission).

gnomAD v4.1: 1 of 1,592,342 alleles (0.000063%); highest among the groups gnomAD compares: Non-Finnish European, 0.000086%; no homozygotes.

Submission:

GeneDx
Classification: Uncertain significance. Last evaluated: 2022-10-13. Review status: criteria provided, single submitter. Criteria: GeneDx Variant Classification Process June 2021. Collection method: clinical testing. Allele origin: germline. Affected: yes.
Comment: Not observed at significant frequency in large population cohorts (gnomAD); In silico analysis supports that this missense variant has a deleterious effect on protein structure/function; Has not been previously published as pathogenic or benign to our knowledge